The following is an entry in ClinVar:

ClinVar aggregate classification (germline): Uncertain significance (1 of 4 stars; one submission).

Allele frequency attached by ClinVar (database versions not stated): TOPMed 0.00001; ExAC 0.00002.
gnomAD v4.1: 43 of 1,611,020 alleles (0.0027%); highest among the groups gnomAD compares: Non-Finnish European, 0.0035%; no homozygotes.

Submission:

Labcorp Genetics (formerly Invitae), Labcorp
Classification: Uncertain significance. Last evaluated: 2025-09-15. Review status: criteria provided, single submitter. Criteria: Invitae Variant Classification Sherloc (09022015). Collection method: clinical testing. Allele origin: germline.
Comment: This sequence change falls in intron 6 of the RPSA gene. It does not directly change the encoded amino acid sequence of the RPSA protein. It affects a nucleotide within the consensus splice site. This variant is present in population databases (rs759404173, gnomAD 0.004%). This variant has not been reported in the literature in individuals affected with RPSA-related conditions. ClinVar contains an entry for this variant (Variation ID: 2963830). Variants that disrupt the consensus splice site are a relatively common cause of aberrant splicing (PMID: 17576681, 9536098). Algorithms developed to predict the effect of sequence changes on RNA splicing suggest that this variant may disrupt the consensus splice site. In summary, the available evidence is currently insufficient to determine the role of this variant in disease. Therefore, it has been classified as a Variant of Uncertain Significance.

Literature cited by the submitters: PubMed 17576681; PubMed 9536098.

NM_002295.6(RPSA):c.793+5G>A

Gene: RPSA (ribosomal protein SA; plus strand). Cytogenetic location: 3p22.1.
Variant type: single nucleotide variant.
Coding change: c.793+5G>A on transcript NM_002295.6 (MANE Select); 5 bases into the intron after coding-DNA position 793, G replaced by A.
Molecular consequence: intron variant.
Genome position (GRCh38, 1-based): chr3:39,412,066, G>A. VCF-style: chr3-39412066-G-A. GRCh37 (hg19) VCF-style: chr3-39453557-G-A.
Other names: c.808+5G>A (NM_001304288.2).
Identifiers: ClinVar variation 2963830 (VCV002963830.3), dbSNP rs759404173, ClinGen allele CA2327915.